The following is an entry in ClinVar:

ClinVar aggregate classification (germline): Uncertain significance (1 of 4 stars; one submission).

Conditions:
Autosomal dominant Parkinson disease 8. Also called: LRRK2-Related Parkinson Disease; Parkinson disease 8; Parkinson disease 8, susceptibility to. Identifiers: Orphanet 411602, MedGen C1846862, MONDO:0011764, OMIM 607060.

Allele frequency attached by ClinVar (database versions not stated): TOPMed below 0.00001.
gnomAD v4.1: 3 of 1,614,052 alleles (0.00019%); highest among the groups gnomAD compares: Non-Finnish European, 0.00017%; no homozygotes.

Submission:

Labcorp Genetics (formerly Invitae), Labcorp
Classification: Uncertain significance for Autosomal dominant Parkinson disease 8. Last evaluated: 2022-12-19. Review status: criteria provided, single submitter. Criteria: Invitae Variant Classification Sherloc (09022015). Collection method: clinical testing. Allele origin: germline.
Comment: This variant is present in population databases (rs201968874, gnomAD 0.0009%). In summary, the available evidence is currently insufficient to determine the role of this variant in disease. Therefore, it has been classified as a Variant of Uncertain Significance. Advanced modeling of protein sequence and biophysical properties (such as structural, functional, and spatial information, amino acid conservation, physicochemical variation, residue mobility, and thermodynamic stability) has been performed at Invitae for this missense variant, however the output from this modeling did not meet the statistical confidence thresholds required to predict the impact of this variant on LRRK2 protein function. This variant has not been reported in the literature in individuals affected with LRRK2-related conditions. This sequence change replaces glycine, which is neutral and non-polar, with arginine, which is basic and polar, at codon 1953 of the LRRK2 protein (p.Gly1953Arg).

NM_198578.4(LRRK2):c.5857G>C (p.Gly1953Arg)

Gene: LRRK2 (leucine rich repeat kinase 2; plus strand). Cytogenetic location: 12q12.
Variant type: single nucleotide variant.
Coding change: c.5857G>C on transcript NM_198578.4 (MANE Select); coding-DNA position 5857, G replaced by C.
Protein change: p.Gly1953Arg; replaces glycine 1953 with arginine.
Molecular consequence: missense variant.
Genome position (GRCh38, 1-based): chr12:40,335,066, G>C. VCF-style: chr12-40335066-G-C. GRCh37 (hg19) VCF-style: chr12-40728868-G-C.
Other names: short protein forms G1953R.
Identifiers: ClinVar variation 2822126 (VCV002822126.3), dbSNP rs201968874, ClinGen allele CA6514554.